The following is an entry in ClinVar:

NM_001009944.3(PKD1):c.5515T>C (p.Trp1839Arg)

Gene: PKD1 (polycystin 1, transient receptor potential channel interacting; minus strand). Cytogenetic location: 16p13.3.
Variant type: single nucleotide variant.
Coding change: c.5515T>C on transcript NM_001009944.3 (MANE Select); coding-DNA position 5515, T replaced by C.
Protein change: p.Trp1839Arg; replaces tryptophan 1839 with arginine.
Molecular consequence: missense variant.
Genome position (GRCh38, 1-based): chr16:2,109,652, A>G on the plus strand (T>C on the coding strand, the complement: PKD1 is on the minus strand). VCF-style: chr16-2109652-A-G. GRCh37 (hg19) VCF-style: chr16-2159653-A-G.
Other names: c.5515T>C, p.Trp1839Arg (NM_000296.4); c.5515T>C (NM_000296.3); short protein forms W1839R.
Identifiers: ClinVar variation 3370071 (VCV003370071.5).

ClinVar aggregate classification (germline): Conflicting classifications of pathogenicity. Review status: criteria provided, conflicting classifications (1 of 4 stars). 5 submissions from 5 submitters: Likely pathogenic (2); Uncertain significance (3). Last evaluated 2024-08-29.

Conditions:
PKD1-related disorder. Also called: PKD1-related condition.
Polycystic kidney disease, adult type (PKD1). Also called: Polycystic Kidney Disease 1, Autosomal Dominant; Polycystic kidney disease 1; Polycystic kidney disease 1, severe; POLYCYSTIC KIDNEY DISEASE 1 WITH OR WITHOUT POLYCYSTIC LIVER DISEASE; POLYCYSTIC KIDNEY DISEASE, ADULT, TYPE I; Polycystic Kidney, Autosomal Dominant. Identifiers: MedGen C3149841, MONDO:0008263, OMIM 173900.
Inborn genetic diseases. Identifiers: MedGen C0950123, MeSH D030342.

Submissions (5):

Ambry Genetics
Classification: Uncertain significance for Inborn genetic diseases. Last evaluated: 2024-08-29. Review status: criteria provided, single submitter. Criteria: Ambry Variant Classification Scheme 2023. Collection method: clinical testing. Allele origin: germline.

Fulgent Genetics
Classification: Likely pathogenic for Polycystic kidney disease, adult type. Last evaluated: 2024-01-18. Review status: criteria provided, single submitter. Criteria: ACMG Guidelines, 2015. Collection method: clinical testing. Allele origin: germline.

GeneDx
Classification: Uncertain significance. Last evaluated: 2023-12-28. Review status: criteria provided, single submitter. Criteria: GeneDx Variant Classification Process June 2021. Collection method: clinical testing. Allele origin: germline. Affected: yes.
Comment: Not observed at significant frequency in large population cohorts (gnomAD); In silico analysis supports that this missense variant has a deleterious effect on protein structure/function; Has not been previously published as pathogenic or benign to our knowledge

Blueprint Genetics
Classification: Likely pathogenic for PKD1-related disorders. Last evaluated: 2023-09-15. Review status: criteria provided, single submitter. Criteria: ACMG Guidelines, 2015. Collection method: clinical testing. Allele origin: germline. Affected: yes. Observed: 2 variant alleles.

Neuberg Centre For Genomic Medicine, NCGM
Classification: Uncertain significance for Polycystic kidney disease, adult type. Last evaluated: 2023-06-22. Review status: criteria provided, single submitter. Criteria: ACMG Guidelines, 2015. Collection method: clinical testing. Allele origin: germline. Inheritance: Autosomal dominant inheritance. Affected: yes.
Comment: The observed missense variant c.5515T>C(p.Trp1839Arg) in the PKD1 gene has not been reported previously as a pathogenic variant nor as a benign variant, to our knowledge. This variant is absent in the gnomAD Exomes. The amino acid Trp at position 1839 is changed to a Arg changing protein sequence and it might alter its composition and physico-chemical properties. Multiple lines of computational evidence (Polyphen - Damaging, SIFT - Damaging and MutationTaster - Disease causing) predict a damaging effect on protein structure and function for this variant. The residue is conserved by GERP++ and PhyloP across 100 vertebrates. For these reasons, this variant has been classified as Uncertain Significance.

Literature cited by the submitters: PubMed 27499327 (cited by Ambry Genetics); PubMed 33964006 (cited by Ambry Genetics).